The following is an entry in ClinVar:

ClinVar aggregate classification (germline): Uncertain significance (1 of 4 stars; one submission).

gnomAD v4.1: 9 of 1,612,092 alleles (0.00056%); highest among the groups gnomAD compares: Non-Finnish European, 0.00068%; no homozygotes.

Submission:

Labcorp Genetics (formerly Invitae), Labcorp
Classification: Uncertain significance. Last evaluated: 2023-04-29. Review status: criteria provided, single submitter. Criteria: Invitae Variant Classification Sherloc (09022015). Collection method: clinical testing. Allele origin: germline.
Comment: This sequence change replaces arginine, which is basic and polar, with proline, which is neutral and non-polar, at codon 73 of the PLD3 protein (p.Arg73Pro). This variant is not present in population databases (gnomAD no frequency). This variant has not been reported in the literature in individuals affected with PLD3-related conditions. Algorithms developed to predict the effect of missense changes on protein structure and function output the following: SIFT: "Not Available"; PolyPhen-2: "Benign"; Align-GVGD: "Not Available". The proline amino acid residue is found in multiple mammalian species, which suggests that this missense change does not adversely affect protein function. In summary, the available evidence is currently insufficient to determine the role of this variant in disease. Therefore, it has been classified as a Variant of Uncertain Significance.

NM_012268.4(PLD3):c.218G>C (p.Arg73Pro)

Gene: PLD3 (phospholipase D family member 3; plus strand). Cytogenetic location: 19q13.2.
Variant type: single nucleotide variant.
Coding change: c.218G>C on transcript NM_012268.4 (MANE Select); coding-DNA position 218, G replaced by C.
Protein change: p.Arg73Pro; replaces arginine 73 with proline.
Molecular consequence: missense variant.
Genome position (GRCh38, 1-based): chr19:40,366,888, G>C. VCF-style: chr19-40366888-G-C. GRCh37 (hg19) VCF-style: chr19-40872795-G-C.
Other names: c.218G>C, p.Arg73Pro (NM_001031696.4, NM_001291311.2); short protein forms R73P.
Identifiers: ClinVar variation 2906878 (VCV002906878.3), dbSNP rs11552729, ClinGen allele CA405867631.